The following is an entry in ClinVar:

NM_004656.4(BAP1):c.410T>G (p.Leu137Trp)

Gene: BAP1 (BRCA1 associated deubiquitinase 1; minus strand). Cytogenetic location: 3p21.1.
Variant type: single nucleotide variant.
Coding change: c.410T>G on transcript NM_004656.4 (MANE Select); coding-DNA position 410, T replaced by G.
Protein change: p.Leu137Trp; replaces leucine 137 with tryptophan.
Molecular consequence: missense variant.
Genome position (GRCh38, 1-based): chr3:52,407,426, A>C on the plus strand (T>G on the coding strand, the complement: BAP1 is on the minus strand). VCF-style: chr3-52407426-A-C. GRCh37 (hg19) VCF-style: chr3-52441442-A-C.
Other names: c.410T>G, p.Leu137Trp (NM_001410772.1); short protein forms L137W.
Identifiers: ClinVar variation 3642204 (VCV003642204.2).

ClinVar aggregate classification (germline): Uncertain significance (1 of 4 stars; one submission).

Conditions:
BAP1-related tumor predisposition syndrome (TPDS1). Also called: Tumor susceptibility linked to germline BAP1 mutations; TUMOR PREDISPOSITION SYNDROME 1; COMMON Syndrome; BAP1 tumor predisposition syndrome. Identifiers: Orphanet 289539, MedGen C3280492, MONDO:0013692, OMIM 614327.

Submission:

Labcorp Genetics (formerly Invitae), Labcorp
Classification: Uncertain significance for BAP1-related tumor predisposition syndrome. Last evaluated: 2024-02-20. Review status: criteria provided, single submitter. Criteria: Invitae Variant Classification Sherloc (09022015). Collection method: clinical testing. Allele origin: germline.
Comment: This sequence change replaces leucine, which is neutral and non-polar, with tryptophan, which is neutral and slightly polar, at codon 137 of the BAP1 protein (p.Leu137Trp). This variant is not present in population databases (gnomAD no frequency). This variant has not been reported in the literature in individuals affected with BAP1-related conditions. Advanced modeling of protein sequence and biophysical properties (such as structural, functional, and spatial information, amino acid conservation, physicochemical variation, residue mobility, and thermodynamic stability) performed at Invitae indicates that this missense variant is expected to disrupt BAP1 protein function with a positive predictive value of 80%. In summary, the available evidence is currently insufficient to determine the role of this variant in disease. Therefore, it has been classified as a Variant of Uncertain Significance.